The following is an entry in ClinVar:

ClinVar aggregate classification (germline): Uncertain significance (1 of 4 stars; one submission).

Conditions:
Hereditary cancer-predisposing syndrome. Also called: Hereditary neoplastic syndrome; Tumor predisposition; Hereditary Cancer Syndrome; Neoplastic Syndromes, Hereditary. Identifiers: Orphanet 140162, MedGen C0027672, MeSH D009386, MONDO:0015356.

Submission:

Ambry Genetics
Classification: Uncertain significance for Hereditary cancer-predisposing syndrome. Last evaluated: 2023-08-25. Review status: criteria provided, single submitter. Criteria: Ambry Variant Classification Scheme 2023. Collection method: clinical testing. Allele origin: germline.
Comment: The p.C541S variant (also known as c.1622G>C), located in coding exon 5 of the AXIN2 gene, results from a G to C substitution at nucleotide position 1622. The cysteine at codon 541 is replaced by serine, an amino acid with dissimilar properties. This amino acid position is highly conserved in available vertebrate species. In addition, the in silico prediction for this alteration is inconclusive. Since supporting evidence is limited at this time, the clinical significance of this alteration remains unclear.

NM_004655.4(AXIN2):c.1622G>C (p.Cys541Ser)

Gene: AXIN2 (axin 2; minus strand). Cytogenetic location: 17q24.1.
Variant type: single nucleotide variant.
Coding change: c.1622G>C on transcript NM_004655.4 (MANE Select); coding-DNA position 1622, G replaced by C.
Protein change: p.Cys541Ser; replaces cysteine 541 with serine.
Molecular consequence: missense variant.
Genome position (GRCh38, 1-based): chr17:65,537,414, C>G on the plus strand (G>C on the coding strand, the complement: AXIN2 is on the minus strand). VCF-style: chr17-65537414-C-G. GRCh37 (hg19) VCF-style: chr17-63533532-C-G.
Other names: c.1622G>C, p.Cys541Ser (NM_001363813.1); short protein forms C541S.
Identifiers: ClinVar variation 2586365 (VCV002586365.2), dbSNP rs2509412071, ClinGen allele CA400677127.